The following is an entry in ClinVar:

NM_024529.5(CDC73):c.310A>G (p.Thr104Ala)

Gene: CDC73 (cell division cycle 73; plus strand). Cytogenetic location: 1q31.2.
Variant type: single nucleotide variant.
Coding change: c.310A>G on transcript NM_024529.5 (MANE Select); coding-DNA position 310, A replaced by G.
Protein change: p.Thr104Ala; replaces threonine 104 with alanine.
Molecular consequence: missense variant.
Genome position (GRCh38, 1-based): chr1:193,135,393, A>G. VCF-style: chr1-193135393-A-G. GRCh37 (hg19) VCF-style: chr1-193104523-A-G.
Other names: short protein forms T104A.
Identifiers: ClinVar variation 3488539 (VCV003488539.1).

ClinVar aggregate classification (germline): Uncertain significance (1 of 4 stars; one submission).

Conditions:
Hereditary cancer-predisposing syndrome. Also called: Tumor predisposition; Neoplastic Syndromes, Hereditary; Hereditary Cancer Syndrome; Hereditary neoplastic syndrome. Identifiers: Orphanet 140162, MedGen C0027672, MeSH D009386, MONDO:0015356.

Submission:

Ambry Genetics
Classification: Uncertain significance for Hereditary cancer-predisposing syndrome. Last evaluated: 2024-12-04. Review status: criteria provided, single submitter. Criteria: Ambry Variant Classification Scheme 2023. Collection method: clinical testing. Allele origin: germline.
Comment: The c.310A>G variant (also known as p.T104A), located in coding exon 4 of the CDC73 gene, results from an A to G substitution at nucleotide position 310. The threonine at codon 104 is replaced by alanine, an amino acid with similar properties. This nucleotide position is well conserved in available vertebrate species. In silico splice site analysis predicts that this alteration will result in the creation or strengthening of a novel splice acceptor site. RNA studies have demonstrated that this alteration results in a transcript predicted to lead to a protein with an in-frame deletion of 1 amino acid; however, the exact functional impact of the deleted amino acid is unknown at this time (Ambry internal data). Based on the available evidence, the clinical significance of this variant remains unclear.